The following is an entry in ClinVar:

NC_000022.11:g.19756055C>T

Gene: TBX1 (T-box transcription factor 1; plus strand). Cytogenetic location: 22q11.21.
Variant type: single nucleotide variant.
Genome position: GRCh38 VCF-style: chr22-19756055-C-T. GRCh37 (hg19) VCF-style: chr22-19743578-C-T.
Identifiers: ClinVar variation 4946943 (VCV004946943.2).

ClinVar aggregate classification (germline): Uncertain significance. Review status: criteria provided, multiple submitters, no conflicts (2 of 4 stars). 2 submissions from 2 submitters: Uncertain significance (2). Last evaluated 2026-05-18.

Conditions:
TBX1-related disorder. Also called: TBX1-Related Disorders; TBX1-related condition.

Submissions (2):

PreventionGenetics, part of Exact Sciences
Classification: Uncertain significance for TBX1-related condition. Last evaluated: 2026-05-18. Review status: criteria provided, single submitter. Criteria: ACMG Guidelines, 2015. Collection method: clinical testing. Allele origin: germline.
Comment: The TBX1 c.-777C>T variant is located in the 5' untranslated region. This variant was reported in an individual with ventricular septal defect and was predicted to enhance transcriptional activity resulting in upregulated TBX1 activity (described as g.4353C>T, Wang et al. 2012. PubMed ID: 22801995). This variant has not been reported in a large population database (gnomAD), indicating this variant is rare. At this time, the clinical significance of this variant is uncertain due to the absence of conclusive functional and genetic evidence.

Blueprint Genetics
Classification: Uncertain significance. Last evaluated: 2023-11-16. Review status: criteria provided, single submitter. Criteria: ACMG Guidelines, 2015. Collection method: clinical testing. Allele origin: germline.